The following is an entry in ClinVar:

NM_003413.4(ZIC3):c.135CGC[11] (p.Ala54_Ala55dup)

Gene: ZIC3 (Zic family zinc finger 3; plus strand). Cytogenetic location: Xq26.3.
Variant type: Microsatellite.
Coding change: c.135CGC[11] on transcript NM_003413.4 (MANE Select); 11 copies in a row of the 3-base unit CGC starting at c.135; the reference has nine copies in a row; two copies, 6 bases duplicated.
Protein change: p.Ala54_Ala55dup.
Molecular consequence: inframe insertion.
Genome position (GRCh38, 1-based): chrX:137,566,847-137,566,852, CGCCGC duplicated; duplicating any 6 consecutive bases within chrX:137,566,826-137,566,852 gives the same sequence; the position shown is the placement nearest the transcript's 3' end. VCF-style (leftmost placement, unchanged base first): chrX-137566825-A-ACGCCGC. GRCh37 (hg19) VCF-style: chrX-136648984-A-ACGCCGC.
Other names: c.135CGC[11], p.Ala54_Ala55dup (NM_001330661.1); c.156_161dup6 (NM_003413.3).
Identifiers: ClinVar variation 411872 (VCV000411872.9), dbSNP rs748325646, ClinGen allele CA10529269.

ClinVar aggregate classification (germline): Uncertain significance. Review status: criteria provided, single submitter (1 of 4 stars). 2 submissions from 2 submitters: Uncertain significance (1). 1 of the submissions does not count toward it. Last evaluated 2025-09-29.

Conditions:
ZIC3-related disorder. Also called: ZIC3-related condition; ZIC3-Related Disorders.
Heterotaxy, visceral, 1, X-linked (HTX1). Also called: DEXTROCARDIA WITH OTHER CARDIAC MALFORMATIONS; Laterality, X-linked; Visceral heterotaxia; SITUS INVERSUS, COMPLEX CARDIAC DEFECTS, AND SPLENIC DEFECTS, X-LINKED. Identifiers: Orphanet 450, MedGen C1844020, MONDO:0010607, OMIM 306955.

Submissions (2):

Labcorp Genetics (formerly Invitae), Labcorp
Classification: Uncertain significance for Heterotaxy, visceral, 1, X-linked. Last evaluated: 2025-09-29. Review status: criteria provided, single submitter. Criteria: Invitae Variant Classification Sherloc (09022015). Collection method: clinical testing. Allele origin: germline.
Comment: This variant, c.156_161dup, results in the insertion of 2 amino acid(s) of the ZIC3 protein (p.Ala54_Ala55dup), but otherwise preserves the integrity of the reading frame. The frequency data for this variant in the population databases is considered unreliable, as metrics indicate poor data quality at this position in the gnomAD database. This variant has not been reported in the literature in individuals affected with ZIC3-related conditions. Experimental studies and prediction algorithms are not available or were not evaluated, and the functional significance of this variant is currently unknown. In summary, the available evidence is currently insufficient to determine the role of this variant in disease. Therefore, it has been classified as a Variant of Uncertain Significance.

PreventionGenetics, part of Exact Sciences
Classification: Benign for ZIC3-related condition. Last evaluated: 2020-01-06. Review status: no assertion criteria provided. Collection method: clinical testing. Allele origin: germline. Not counted in ClinVar's aggregate classification.
Comment: This variant is classified as benign based on ACMG/AMP sequence variant interpretation guidelines (Richards et al. 2015 PMID: 25741868, with internal and published modifications).